The following is an entry in ClinVar:

ClinVar aggregate classification (germline): Uncertain significance (1 of 4 stars; one submission).

Conditions:
Inborn genetic diseases. Identifiers: MedGen C0950123, MeSH D030342.

gnomAD v4.1: 3 of 1,614,192 alleles (0.00019%); highest among the groups gnomAD compares: African/African-American, 0.0027%; no homozygotes.

Submission:

Ambry Genetics
Classification: Uncertain significance for Inborn genetic diseases. Last evaluated: 2025-04-03. Review status: criteria provided, single submitter. Criteria: Ambry Variant Classification Scheme 2023. Collection method: clinical testing. Allele origin: germline.
Comment: The p.A533G variant (also known as c.1598C>G), located in coding exon 12 of the FANCG gene, results from a C to G substitution at nucleotide position 1598. The alanine at codon 533 is replaced by glycine, an amino acid with similar properties. This amino acid position is conserved. In addition, the in silico prediction for this alteration is inconclusive. Based on the available evidence, the clinical significance of this variant remains unclear.

NM_004629.2(FANCG):c.1598C>G (p.Ala533Gly)

Gene: FANCG (FA complementation group G; minus strand). Cytogenetic location: 9p13.3.
Variant type: single nucleotide variant.
Coding change: c.1598C>G on transcript NM_004629.2 (MANE Select); coding-DNA position 1598, C replaced by G.
Protein change: p.Ala533Gly; replaces alanine 533 with glycine.
Molecular consequence: missense variant.
Genome position (GRCh38, 1-based): chr9:35,074,965, G>C on the plus strand (C>G on the coding strand, the complement: FANCG is on the minus strand). VCF-style: chr9-35074965-G-C. GRCh37 (hg19) VCF-style: chr9-35074962-G-C.
Other names: short protein forms A533G.
Identifiers: ClinVar variation 4022472 (VCV004022472.1).